The following is an entry in ClinVar:

NM_001080453.3(INTS1):c.2106C>G (p.Ile702Met)

Gene: INTS1 (integrator complex subunit 1; minus strand). Cytogenetic location: 7p22.3.
Variant type: single nucleotide variant.
Coding change: c.2106C>G on transcript NM_001080453.3 (MANE Select); coding-DNA position 2106, C replaced by G.
Protein change: p.Ile702Met; replaces isoleucine 702 with methionine.
Molecular consequence: missense variant.
Genome position (GRCh38, 1-based): chr7:1,493,069, G>C on the plus strand (C>G on the coding strand, the complement: INTS1 is on the minus strand). VCF-style: chr7-1493069-G-C. GRCh37 (hg19) VCF-style: chr7-1532705-G-C.
Other names: short protein forms I702M.
Identifiers: ClinVar variation 1695499 (VCV001695499.2), dbSNP rs201594026, ClinGen allele CA4120014.
Genomic context (GRCh38, chr7:1,493,069, plus strand): 5'-CCCCGGTGGGAGCTGGATGTTTTCAGGGTGATGGTAGGTGCACAGATTCAGAACGGCGTC[G>C]ATCAGCTGGGTCCTCCCCACCTTCAGCACCTCCACATCTAAGACCAAGAGCCACACATGG-3'
Protein context (NP_001073922.2, residues 692-712): EVLKVGRTQL[Ile702Met]DAVLNLCTYH

ClinVar aggregate classification (germline): Uncertain significance (1 of 4 stars; one submission).

gnomAD v4.1: 28 of 1,613,490 alleles (0.0017%); highest among the groups gnomAD compares: Non-Finnish European, 0.0024%; no homozygotes.

Submission:

GeneDx
Classification: Uncertain significance. Last evaluated: 2022-01-05. Review status: criteria provided, single submitter. Criteria: GeneDx Variant Classification Process June 2021. Collection method: clinical testing. Allele origin: germline. Affected: yes.
Comment: In silico analysis supports that this missense variant does not alter protein structure/function; Has not been previously published as pathogenic or benign to our knowledge